The following is an entry in ClinVar:

NM_002458.3(MUC5B):c.6875G>A (p.Arg2292His)

Genes: MUC5B (mucin 5B, oligomeric mucus/gel-forming; plus strand), MUC5B-AS1 (MUC5B antisense RNA 1; minus strand). Cytogenetic location: 11p15.5.
Variant type: single nucleotide variant.
Coding change: c.6875G>A on transcript NM_002458.3 (MANE Select); coding-DNA position 6875, G replaced by A.
Protein change: p.Arg2292His; replaces arginine 2292 with histidine.
Molecular consequence: missense variant.
Genome position (GRCh38, 1-based): chr11:1,243,755, G>A. VCF-style: chr11-1243755-G-A. GRCh37 (hg19) VCF-style: chr11-1264985-G-A.
Other names: short protein forms R2292H.
Identifiers: ClinVar variation 3388201 (VCV003388201.15).

ClinVar aggregate classification (germline): Likely benign. Review status: criteria provided, multiple submitters, no conflicts (2 of 4 stars). 2 submissions from 2 submitters: Likely benign (2). Last evaluated 2024-11-26.

Submissions (2):

Blueprint Genetics
Classification: Likely benign. Last evaluated: 2024-11-26. Review status: criteria provided, single submitter. Criteria: ACMG Guidelines, 2015. Collection method: clinical testing. Allele origin: germline.

CeGaT Center for Human Genetics Tuebingen
Classification: Likely benign. Last evaluated: 2024-10-01. Review status: criteria provided, single submitter. Criteria: CeGaT Center For Human Genetics Tuebingen Variant Classification Criteria Version 2. Collection method: clinical testing. Allele origin: germline. Affected: yes. Observed: 1 variant allele.
Comment: MUC5B: BP4, BS1